The following is an entry in ClinVar:

NM_198525.3(KIF7):c.3944C>T (p.Pro1315Leu)

Gene: KIF7 (kinesin family member 7; minus strand). Cytogenetic location: 15q26.1.
Variant type: single nucleotide variant.
Coding change: c.3944C>T on transcript NM_198525.3 (MANE Select); coding-DNA position 3944, C replaced by T.
Protein change: p.Pro1315Leu; replaces proline 1315 with leucine.
Molecular consequence: missense variant.
Genome position (GRCh38, 1-based): chr15:89,628,507, G>A on the plus strand (C>T on the coding strand, the complement: KIF7 is on the minus strand). VCF-style: chr15-89628507-G-A. GRCh37 (hg19) VCF-style: chr15-90171738-G-A.
Other names: short protein forms P1315L.
Identifiers: ClinVar variation 195000 (VCV000195000.65), dbSNP rs150248985, ClinGen allele CA020390.

ClinVar aggregate classification (germline): Conflicting classifications of pathogenicity. Review status: criteria provided, conflicting classifications (1 of 4 stars). 11 submissions from 11 submitters: Uncertain significance (1); Benign (1); Likely benign (5). 4 of the submissions do not count toward it. Last evaluated 2026-01-27.

Conditions:
KIF7-related disorder. Also called: KIF7-related condition.
Inborn genetic diseases. Identifiers: MedGen C0950123, MeSH D030342.
Acrocallosal syndrome (ACLS). Also called: Schinzel syndrome 1; Absence of corpus callosum with unusual facial appearance, mental deficiency, duplication of the halluces and polydactyly; HALLUX DUPLICATION, POSTAXIAL POLYDACTYLY, AND ABSENCE OF CORPUS CALLOSUM. Identifiers: Orphanet 36, MedGen C0796147, MONDO:0008708, OMIM 200990.

Allele frequency attached by ClinVar (database versions not stated): TOPMed 0.00122; gnomAD 0.00133 and 0.00138; ESP Exome Variant Server 0.00146; ExAC 0.00152; gnomAD exomes 0.00159.
gnomAD v4.1: 2,206 of 1,613,006 alleles (0.14%); highest among the groups gnomAD compares: Middle Eastern, 1.4%; 5 homozygotes.

Submissions (11):

Labcorp Genetics (formerly Invitae), Labcorp
Classification: Likely benign for Acrocallosal syndrome. Last evaluated: 2026-01-27. Review status: criteria provided, single submitter. Criteria: Invitae Variant Classification Sherloc (09022015). Collection method: clinical testing. Allele origin: germline.

Ambry Genetics
Classification: Likely benign for Inborn genetic diseases. Last evaluated: 2025-07-22. Review status: criteria provided, single submitter. Criteria: Ambry Variant Classification Scheme 2023. Collection method: clinical testing. Allele origin: germline.

Blueprint Genetics
Classification: Likely benign. Last evaluated: 2024-11-12. Review status: criteria provided, single submitter. Criteria: ACMG Guidelines, 2015. Collection method: clinical testing. Allele origin: germline.

CeGaT Center for Human Genetics Tuebingen
Classification: Likely benign. Last evaluated: 2024-10-01. Review status: criteria provided, single submitter. Criteria: CeGaT Center For Human Genetics Tuebingen Variant Classification Criteria Version 2. Collection method: clinical testing. Allele origin: germline. Affected: yes. Observed: 8 variant alleles.
Comment: KIF7: BS2

GeneDx
Classification: Benign. Last evaluated: 2019-02-18. Review status: criteria provided, single submitter. Criteria: GeneDx Variant Classification Process June 2021. Collection method: clinical testing. Allele origin: germline. Affected: yes.

Illumina Laboratory Services, Illumina
Classification: Uncertain significance for Acrocallosal syndrome. Last evaluated: 2017-04-27. Review status: criteria provided, single submitter. Criteria: ICSL Variant Classification Criteria 13 December 2019. Collection method: clinical testing. Allele origin: germline.

Eurofins Ntd Llc (ga)
Classification: Likely benign. Last evaluated: 2017-04-18. Review status: criteria provided, single submitter. Criteria: EGL Classification Definitions 2015. Collection method: clinical testing. Allele origin: germline. Observed: 4 variant alleles, 4 heterozygotes.

PreventionGenetics, part of Exact Sciences
Classification: Benign for KIF7-related condition. Last evaluated: 2024-03-21. Review status: no assertion criteria provided. Collection method: clinical testing. Allele origin: germline. Not counted in ClinVar's aggregate classification.
Comment: This variant is classified as benign based on ACMG/AMP sequence variant interpretation guidelines (Richards et al. 2015 PMID: 25741868, with internal and published modifications).

Clinical Genetics DNA and cytogenetics Diagnostics Lab, Erasmus MC, Erasmus Medical Center
Classification: Likely benign. Review status: no assertion criteria provided. Collection method: clinical testing. Allele origin: germline. Affected: yes. Study: VKGL Data-share Consensus. Not counted in ClinVar's aggregate classification.

Diagnostic Laboratory, Department of Genetics, University Medical Center Groningen
Classification: Likely benign. Review status: no assertion criteria provided. Collection method: clinical testing. Allele origin: germline. Affected: yes. Study: VKGL Data-share Consensus. Not counted in ClinVar's aggregate classification.

Laboratory of Diagnostic Genome Analysis, Leiden University Medical Center (LUMC)
Classification: Likely benign. Review status: no assertion criteria provided. Collection method: clinical testing. Allele origin: germline. Affected: yes. Study: VKGL Data-share Consensus. Not counted in ClinVar's aggregate classification.